The following is an entry in ClinVar:

NM_145239.3(PRRT2):c.179A>C (p.Asp60Ala)

Genes: MVP-DT (MVP divergent transcript; minus strand), PRRT2 (proline rich transmembrane protein 2; plus strand). Cytogenetic location: 16p11.2.
Variant type: single nucleotide variant.
Coding change: c.179A>C on transcript NM_145239.3 (MANE Select); coding-DNA position 179, A replaced by C.
Protein change: p.Asp60Ala; replaces aspartic acid 60 with alanine.
Molecular consequence: missense variant.
Genome position (GRCh38, 1-based): chr16:29,813,233, A>C. VCF-style: chr16-29813233-A-C. GRCh37 (hg19) VCF-style: chr16-29824554-A-C.
Other names: c.179A>C, p.Asp60Ala (NM_001256442.2, NM_001256443.2); short protein forms D60A.
Identifiers: ClinVar variation 1354710 (VCV001354710.6), dbSNP rs772163627, ClinGen allele CA7994487.

ClinVar aggregate classification (germline): Uncertain significance (1 of 4 stars; one submission).

Conditions:
Episodic kinesigenic dyskinesia (EKD). Also called: Paroxysmal kinesigenic dyskinesia. Identifiers: Orphanet 98809, MedGen C1868682, MONDO:0044202.

Allele frequency attached by ClinVar (database versions not stated): ExAC 0.00001; gnomAD exomes 0.00001 and 0.00002; TOPMed 0.00001.

Submission:

Labcorp Genetics (formerly Invitae), Labcorp
Classification: Uncertain significance for Episodic kinesigenic dyskinesia. Last evaluated: 2025-08-29. Review status: criteria provided, single submitter. Criteria: Invitae Variant Classification Sherloc (09022015). Collection method: clinical testing. Allele origin: germline.
Comment: This sequence change replaces aspartic acid, which is acidic and polar, with alanine, which is neutral and non-polar, at codon 60 of the PRRT2 protein (p.Asp60Ala). This variant is present in population databases (rs772163627, gnomAD 0.01%). This variant has not been reported in the literature in individuals affected with PRRT2-related conditions. ClinVar contains an entry for this variant (Variation ID: 1354710). Invitae Evidence Modeling of protein sequence and biophysical properties (such as structural, functional, and spatial information, amino acid conservation, physicochemical variation, residue mobility, and thermodynamic stability) indicates that this missense variant is not expected to disrupt PRRT2 protein function with a negative predictive value of 95%. In summary, the available evidence is currently insufficient to determine the role of this variant in disease. Therefore, it has been classified as a Variant of Uncertain Significance.